The following is an entry in ClinVar:

NM_002840.5(PTPRF):c.4923C>T (p.Leu1641=)

Gene: PTPRF (protein tyrosine phosphatase receptor type F; plus strand). Cytogenetic location: 1p34.2.
Variant type: single nucleotide variant.
Coding change: c.4923C>T on transcript NM_002840.5 (MANE Select); coding-DNA position 4923, C replaced by T.
Protein change: p.Leu1641=; no amino-acid change (leucine 1641 retained).
Molecular consequence: synonymous variant.
Genome position (GRCh38, 1-based): chr1:43,619,564, C>T. VCF-style: chr1-43619564-C-T. GRCh37 (hg19) VCF-style: chr1-44085235-C-T.
Other names: c.4089C>T, p.Leu1363= (NM_001329137.2); c.4113C>T, p.Leu1371= (NM_001329138.2); c.4071C>T, p.Leu1357= (NM_001329139.2); c.4011C>T, p.Leu1337= (NM_001329140.2); c.4896C>T, p.Leu1632= (NM_130440.4).
Identifiers: ClinVar variation 3046152 (VCV003046152.2), dbSNP rs199784544, ClinGen allele CA813371.

ClinVar aggregate classification (germline): Likely benign (0 of 4 stars; one submission).

Conditions:
PTPRF-related disorder. Also called: PTPRF-related condition.

Allele frequency attached by ClinVar (database versions not stated): gnomAD 0.00004; ExAC 0.00007; TOPMed 0.00010; 1000 Genomes Project 30x 0.00031; 1000 Genomes Project 0.00040.
gnomAD v4.1: 47 of 1,612,042 alleles (0.0029%); highest among the groups gnomAD compares: South Asian, 0.032%; 1 homozygote.

Submission:

PreventionGenetics, part of Exact Sciences
Classification: Likely benign for PTPRF-related condition. Last evaluated: 2019-10-28. Review status: no assertion criteria provided. Collection method: clinical testing. Allele origin: germline.
Comment: This variant is classified as likely benign based on ACMG/AMP sequence variant interpretation guidelines (Richards et al. 2015 PMID: 25741868, with internal and published modifications).